The following is an entry in ClinVar:

NM_000090.4(COL3A1):c.3032G>C (p.Gly1011Ala)

Gene: COL3A1 (collagen type III alpha 1 chain; plus strand). Cytogenetic location: 2q32.2.
Variant type: single nucleotide variant.
Coding change: c.3032G>C on transcript NM_000090.4 (MANE Select); coding-DNA position 3032, G replaced by C.
Protein change: p.Gly1011Ala; replaces glycine 1011 with alanine.
Molecular consequence: missense variant.
Genome position (GRCh38, 1-based): chr2:189,005,450, G>C. VCF-style: chr2-189005450-G-C. GRCh37 (hg19) VCF-style: chr2-189870176-G-C.
Other names: short protein forms G1011A.
Identifiers: ClinVar variation 4843321 (VCV004843321.2).

ClinVar aggregate classification (germline): Likely pathogenic (1 of 4 stars; one submission).

Conditions:
Familial thoracic aortic aneurysm and aortic dissection (TAAD). Also called: Thoracic aortic aneurysms and dissections. Identifiers: Orphanet 91387, MedGen C4707243, MONDO:0019625.

Submission:

Ambry Genetics
Classification: Likely pathogenic for Familial thoracic aortic aneurysm and aortic dissection. Last evaluated: 2026-08-18. Review status: criteria provided, single submitter. Criteria: Ambry Variant Classification Scheme 2023. Collection method: clinical testing. Allele origin: germline.
Comment: The p.G1011A variant (also known as c.3032G>C), located in coding exon 41 of the COL3A1 gene, results from a G to C substitution at nucleotide position 3032. The glycine at codon 1011 is replaced by alanine, an amino acid with similar properties. The majority (approximately two-thirds) ofCOL3A1mutations identified to date have involved the substitution of another amino acid for glycine within the triple-helical domain (PepinMG et al.GenetMed.2014;16(12):881-8; Frank M et al.Eur J Hum Genet. 2015;23(12):1657-64). Internal structural analysis indicates that this alteration disrupts the characteristic G-X-Y motif in theCOL3A1protein and inserts a bulky side chain into asterically-constrainedregion (Bella J et al.Science.1994;266:75-81;HohenesterE et al.Proc. Natl.Acad. Sci. U.S.A.2008;105:18273-7; Ambry internal data). This amino acid position is highly conserved in available vertebrate species. In addition, this alteration is predicted to be deleterious by in silico analysis. This variant is considered to be rare based on population cohorts in the Genome Aggregation Database (gnomAD). Based on the majority of available evidence to date, this variant is likely to be pathogenic.